The following is an entry in ClinVar:

NM_172232.4(ABCA5):c.4504C>T (p.Arg1502Ter)

Gene: ABCA5 (ATP binding cassette subfamily A member 5; minus strand). Cytogenetic location: 17q24.3.
Variant type: single nucleotide variant.
Coding change: c.4504C>T on transcript NM_172232.4 (MANE Select); coding-DNA position 4504, C replaced by T.
Protein change: p.Arg1502Ter; replaces arginine 1502 with a stop codon.
Molecular consequence: nonsense.
Genome position (GRCh38, 1-based): chr17:69,251,778, G>A on the plus strand (C>T on the coding strand, the complement: ABCA5 is on the minus strand). VCF-style: chr17-69251778-G-A. GRCh37 (hg19) VCF-style: chr17-67247919-G-A.
Other names: c.4504C>T, p.Arg1502Ter (NM_018672.5); short protein forms R1502*.
Identifiers: ClinVar variation 4845884 (VCV004845884.1).

ClinVar aggregate classification (germline): Pathogenic (1 of 4 stars; one submission).

Conditions:
Gingival fibromatosis-hypertrichosis syndrome. Also called: HYPERTRICHOSIS, CONGENITAL GENERALIZED, 3, WITH OR WITHOUT GINGIVAL HYPERPLASIA. Identifiers: Orphanet 2026, MedGen C1851120, MONDO:0007610, OMIM 135400.

gnomAD v4.1: 36 of 1,613,796 alleles (0.0022%); highest among the groups gnomAD compares: Admixed American, 0.015%; no homozygotes.

Submission:

First Genomix Gene Laboratory, Genetic Diagnostics Department
Classification: Pathogenic for Gingival fibromatosis-hypertrichosis syndrome. Last evaluated: 2025-05-08. Review status: criteria provided, single submitter. Criteria: ACMG Guidelines, 2015. Collection method: clinical testing. Allele origin: germline. Inheritance: Autosomal recessive inheritance. Affected: no. Observed: 1 variant allele.